The following is an entry in ClinVar:

NM_030662.4(MAP2K2):c.97A>C (p.Asn33His)

Gene: MAP2K2 (mitogen-activated protein kinase kinase 2; minus strand). Cytogenetic location: 19p13.3.
Variant type: single nucleotide variant.
Coding change: c.97A>C on transcript NM_030662.4 (MANE Select); coding-DNA position 97, A replaced by C.
Protein change: p.Asn33His; replaces asparagine 33 with histidine.
Molecular consequence: missense variant.
Genome position (GRCh38, 1-based): chr19:4,117,625, T>G on the plus strand (A>C on the coding strand, the complement: MAP2K2 is on the minus strand). VCF-style: chr19-4117625-T-G. GRCh37 (hg19) VCF-style: chr19-4117623-T-G.
Other names: short protein forms N33H.
Identifiers: ClinVar variation 3001257 (VCV003001257.3), dbSNP rs2145080951, ClinGen allele CA403393003.
Genomic context (GRCh38, chr19:4,117,625, plus strand): 5'-GCTTCTTCTGCTGCTCGTCAAGTTCCAGCTCCTCCAGCTTCTTCTGCAGGTCCACCAGGT[T>G]TGCCCTGCAGAGACCCCCCAGGGTAGGGGTTAGCTACCTAGGGAGACTCCATCTGGCCGT-3'
Protein context (NP_109587.1, residues 23-43): SPTSEGASEA[Asn33His]LVDLQKKLEE

ClinVar aggregate classification (germline): Uncertain significance (1 of 4 stars; one submission).

Conditions:
RASopathy. Also called: rasopathies; Noonan spectrum disorder. Identifiers: Orphanet 536391, MedGen C5555857, MONDO:0021060.

Submission:

Labcorp Genetics (formerly Invitae), Labcorp
Classification: Uncertain significance for RASopathy. Last evaluated: 2023-06-09. Review status: criteria provided, single submitter. Criteria: Invitae Variant Classification Sherloc (09022015). Collection method: clinical testing. Allele origin: germline.
Comment: Advanced modeling of protein sequence and biophysical properties (such as structural, functional, and spatial information, amino acid conservation, physicochemical variation, residue mobility, and thermodynamic stability) performed at Invitae indicates that this missense variant is not expected to disrupt MAP2K2 protein function. In summary, the available evidence is currently insufficient to determine the role of this variant in disease. Therefore, it has been classified as a Variant of Uncertain Significance. This variant has not been reported in the literature in individuals affected with MAP2K2-related conditions. This sequence change replaces asparagine, which is neutral and polar, with histidine, which is basic and polar, at codon 33 of the MAP2K2 protein (p.Asn33His). This variant is not present in population databases (gnomAD no frequency).